The following is an entry in ClinVar:

ClinVar aggregate classification (germline): Uncertain significance (1 of 4 stars; one submission).

Conditions:
Inborn genetic diseases. Identifiers: MedGen C0950123, MeSH D030342.

Submission:

Ambry Genetics
Classification: Uncertain significance for Inborn genetic diseases. Last evaluated: 2025-07-12. Review status: criteria provided, single submitter. Criteria: Ambry Variant Classification Scheme 2023. Collection method: clinical testing. Allele origin: germline.
Comment: The p.V1361L variant (also known as c.4081G>T), located in coding exon 1 of the SAMD9L gene, results from a G to T substitution at nucleotide position 4081. The valine at codon 1361 is replaced by leucine, an amino acid with highly similar properties. This amino acid position is conserved. In addition, this alteration is predicted to be tolerated by in silico analysis. Based on the available evidence, the clinical significance of this variant remains unclear.

NM_152703.5(SAMD9L):c.4081G>T (p.Val1361Leu)

Gene: SAMD9L (sterile alpha motif domain containing 9 like; minus strand). Cytogenetic location: 7q21.2.
Variant type: single nucleotide variant.
Coding change: c.4081G>T on transcript NM_152703.5 (MANE Select); coding-DNA position 4081, G replaced by T.
Protein change: p.Val1361Leu; replaces valine 1361 with leucine.
Molecular consequence: missense variant.
Genome position (GRCh38, 1-based): chr7:93,131,891, C>A on the plus strand (G>T on the coding strand, the complement: SAMD9L is on the minus strand). VCF-style: chr7-93131891-C-A. GRCh37 (hg19) VCF-style: chr7-92761204-C-A.
Other names: c.4081G>T, p.Val1361Leu (NM_001303496.3, NM_001303497.3, NM_001303498.3 and 5 more transcripts); short protein forms V1361L.
Identifiers: ClinVar variation 4159329 (VCV004159329.1).